The following is an entry in ClinVar:

ClinVar aggregate classification (germline): Uncertain significance (1 of 4 stars; one submission).

Conditions:
Hereditary cancer-predisposing syndrome. Also called: Hereditary neoplastic syndrome; Tumor predisposition; Hereditary Cancer Syndrome; Neoplastic Syndromes, Hereditary. Identifiers: Orphanet 140162, MedGen C0027672, MeSH D009386, MONDO:0015356.

Submission:

Color Diagnostics, LLC DBA Color Health
Classification: Uncertain significance for Hereditary cancer-predisposing syndrome. Last evaluated: 2023-12-05. Review status: criteria provided, single submitter. Criteria: ACMG Guidelines, 2015. Collection method: clinical testing. Allele origin: germline.
Comment: This missense variant replaces glutamine with proline at codon 155 of the BRIP1 protein. Computational prediction suggests that this variant may not impact protein structure and function (internally defined REVEL score threshold <= 0.5, PMID: 27666373). To our knowledge, functional studies have not been reported for this variant. This variant has not been reported in individuals affected with BRIP1-related disorders in the literature. This variant has not been identified in the general population by the Genome Aggregation Database (gnomAD). The available evidence is insufficient to determine the role of this variant in disease conclusively. Therefore, this variant is classified as a Variant of Uncertain Significance.

NM_032043.3(BRIP1):c.464A>C (p.Gln155Pro)

Gene: BRIP1 (BRCA1 interacting DNA helicase 1; minus strand). Cytogenetic location: 17q23.2.
Variant type: single nucleotide variant.
Coding change: c.464A>C on transcript NM_032043.3 (MANE Select); coding-DNA position 464, A replaced by C.
Protein change: p.Gln155Pro; replaces glutamine 155 with proline.
Molecular consequence: missense variant.
Genome position (GRCh38, 1-based): chr17:61,849,172, T>G on the plus strand (A>C on the coding strand, the complement: BRIP1 is on the minus strand). VCF-style: chr17-61849172-T-G. GRCh37 (hg19) VCF-style: chr17-59926533-T-G.
Other names: short protein forms Q155P.
Identifiers: ClinVar variation 491473 (VCV000491473.6), dbSNP rs1555616153, ClinGen allele CA400484434.